The following is an entry in ClinVar:

Single allele

Gene: MCRS1 (microspherule protein 1; minus strand). Cytogenetic location: 12q13.12.
Variant type: Deletion.
Identifiers: ClinVar variation 4070908 (VCV004070908.1).

ClinVar aggregate classification (germline): Uncertain significance (1 of 4 stars; one submission).

Conditions:
Multiple congenital anomalies/dysmorphic syndrome. Identifiers: Orphanet 68341, MedGen C5681310, MONDO:0019042.

Submission:

Broad Center for Mendelian Genomics, Broad Institute of MIT and Harvard
Classification: Uncertain significance for Multiple congenital anomalies/dysmorphic syndrome. Last evaluated: 2025-06-23. Review status: criteria provided, single submitter. Criteria: ACMG/ClinGen CNV Guidelines, 2019. Collection method: research. Allele origin: unknown. Inheritance: Autosomal dominant inheritance. Affected: yes. Study: GREGoR Consortium.
Comment: While this gene is still lacking sufficient evidence to establish haploinsufficiency, we believe this is a possible candidate for congenital anomalies/dysmorphic syndrome. Given the limited information about this gene, the significance of the deletion variant is uncertain. If you have any additional information about functional evidence or other individuals with congenital anomalies/dysmorphic syndrome that also have similar deletions we encourage you to reach out to us.